The following is an entry in ClinVar:

NM_014712.3(SETD1A):c.4022dup (p.Val1342fs)

Gene: SETD1A (SET domain containing 1A, histone lysine methyltransferase; plus strand). Cytogenetic location: 16p11.2.
Variant type: Duplication.
Coding change: c.4022dup on transcript NM_014712.3 (MANE Select); coding-DNA position 4022, one base duplicated (T; older notation c.4022dupT).
Protein change: p.Val1342fs; shifts the reading frame from valine 1342.
Molecular consequence: frameshift variant.
Genome position (GRCh38, 1-based): chr16:30,979,808, T duplicated. VCF-style (leftmost placement, unchanged base first): chr16-30979807-G-GT. GRCh37 (hg19) VCF-style: chr16-30991128-G-GT.
Other names: short protein forms V1342fs.
Identifiers: ClinVar variation 1319001 (VCV001319001.2), dbSNP rs2143581004, ClinGen allele CA2573054225.

ClinVar aggregate classification (germline): Uncertain significance (1 of 4 stars; one submission).

Submission:

GeneDx
Classification: Uncertain significance. Last evaluated: 2019-09-10. Review status: criteria provided, single submitter. Criteria: GeneDx Variant Classification Process June 2021. Collection method: clinical testing. Allele origin: germline. Affected: yes.
Comment: Not observed in large population cohorts (Lek et al., 2016); Frameshift variant predicted to result in protein truncation or nonsense mediated decay in a gene for which loss-of-function is not a known mechanism of disease; Has not been previously published as pathogenic or benign to our knowledge; Variants in candidate genes are classified as variants of uncertain significance in accordance with ACMG guidelines (Richards et al., 2015)